The following is an entry in ClinVar:

ClinVar aggregate classification (germline): Uncertain significance. Review status: criteria provided, multiple submitters, no conflicts (2 of 4 stars). 5 submissions from 5 submitters: Uncertain significance (4). 1 of the submissions does not count toward it. Last evaluated 2024-08-06.

Conditions:
DNAI1-related disorder. Also called: DNAI1-related condition.
Primary ciliary dyskinesia. Also called: Ciliary dyskinesia. Identifiers: Orphanet 244, MedGen C0008780, MONDO:0016575, HP:0012265.

Allele frequency attached by ClinVar (database versions not stated): gnomAD exomes 0.00005 and 0.00012; ExAC 0.00014; TOPMed 0.00014; gnomAD 0.00015 and 0.00017; ESP Exome Variant Server 0.00017; 1000 Genomes Project 0.00040; 1000 Genomes Project 30x 0.00047.
gnomAD v4.1: 86 of 1,551,600 alleles (0.0055%); highest among the groups gnomAD compares: Admixed American, 0.025%; no homozygotes.

Submissions (5):

Blueprint Genetics
Classification: Uncertain significance. Last evaluated: 2024-08-06. Review status: criteria provided, single submitter. Criteria: ACMG Guidelines, 2015. Collection method: clinical testing. Allele origin: germline.

PreventionGenetics, part of Exact Sciences
Classification: Uncertain significance for DNAI1-related condition. Last evaluated: 2023-07-14. Review status: criteria provided, single submitter. Criteria: ACMG Guidelines, 2015. Collection method: clinical testing. Allele origin: germline.
Comment: The DNAI1 c.2045T>C variant is predicted to result in the amino acid substitution p.Ile682Thr. To our knowledge, this variant has not been reported in the literature. This variant is reported in 0.035% of alleles in individuals of Latino descent in gnomAD. At this time, the clinical significance of this variant is uncertain due to the absence of conclusive functional and genetic evidence.

Labcorp Genetics (formerly Invitae), Labcorp
Classification: Uncertain significance for Primary ciliary dyskinesia. Last evaluated: 2022-02-22. Review status: criteria provided, single submitter. Criteria: Invitae Variant Classification Sherloc (09022015). Collection method: clinical testing. Allele origin: germline.
Comment: This sequence change replaces isoleucine, which is neutral and non-polar, with threonine, which is neutral and polar, at codon 682 of the DNAI1 protein (p.Ile682Thr). This variant is present in population databases (rs138460682, gnomAD 0.04%). This variant has not been reported in the literature in individuals affected with DNAI1-related conditions. ClinVar contains an entry for this variant (Variation ID: 454834). Algorithms developed to predict the effect of missense changes on protein structure and function (SIFT, PolyPhen-2, Align-GVGD) all suggest that this variant is likely to be tolerated. In summary, the available evidence is currently insufficient to determine the role of this variant in disease. Therefore, it has been classified as a Variant of Uncertain Significance.

Ambry Genetics
Classification: Uncertain significance for Primary ciliary dyskinesia. Last evaluated: 2015-08-07. Review status: criteria provided, single submitter. Criteria: Ambry Variant Classification Scheme 2023. Collection method: clinical testing. Allele origin: germline.
Comment: The p.I682T variant (also known as c.2045T>C), located in coding exon 20 of the DNAI1 gene, results from a T to C substitution at nucleotide position 2045. The isoleucine at codon 682 is replaced by threonine, an amino acid with similar properties. This variant was previously reported in the SNPDatabase as rs138460682. Based on data from the 1000 Genomes Project, the C allele has an overall frequency of approximately 0.05% (1/2098) total alleles studied. The highest observed frequency was 0.94% (1/106) African-American SW alleles. Based on data from the NHLBI Exome Sequencing Project (ESP), the C allele has an overall frequency of approximately 0.02% (2/11692) total alleles studied, having been observed in 0.02% (1/4016) African American alleles and 0.01% (1/7676) European American alleles. This amino acid position is well conserved in available vertebrate species. In addition, this alteration is predicted to be tolerated by in silico analysis. Since supporting evidence is limited at this time, the clinical significance of this variant remains unclear.

Natera, Inc.
Classification: Uncertain significance for Primary ciliary dyskinesia. Last evaluated: 2020-09-16. Review status: no assertion criteria provided. Collection method: clinical testing. Allele origin: germline. Not counted in ClinVar's aggregate classification.

NM_012144.4(DNAI1):c.2045T>C (p.Ile682Thr)

Gene: DNAI1 (dynein axonemal intermediate chain 1; plus strand). Cytogenetic location: 9p13.3.
Variant type: single nucleotide variant.
Coding change: c.2045T>C on transcript NM_012144.4 (MANE Select); coding-DNA position 2045, T replaced by C.
Protein change: p.Ile682Thr; replaces isoleucine 682 with threonine.
Molecular consequence: missense variant.
Genome position (GRCh38, 1-based): chr9:34,520,701, T>C. VCF-style: chr9-34520701-T-C. GRCh37 (hg19) VCF-style: chr9-34520699-T-C.
Other names: c.2045T>C (NM_012144.2); c.2057T>C, p.Ile686Thr (NM_001281428.2); short protein forms I682T, I686T.
Identifiers: ClinVar variation 454834 (VCV000454834.7), dbSNP rs138460682, ClinGen allele CA5034615.